The following is an entry in ClinVar:

ClinVar aggregate classification (germline): Conflicting classifications of pathogenicity. Review status: criteria provided, conflicting classifications (1 of 4 stars). 3 submissions from 3 submitters: Uncertain significance (1); Likely benign (1). 1 of the submissions does not count toward it. Last evaluated 2026-01-05.

Conditions:
Nonsyndromic cleft lip palate.
ACSS2-related disorder. Also called: ACSS2-related condition.

Allele frequency attached by ClinVar (database versions not stated): gnomAD exomes 0.00056 and 0.00232; gnomAD 0.00096 and 0.00102; TOPMed 0.00169; ExAC 0.00185; 1000 Genomes Project 0.00240; 1000 Genomes Project 30x 0.00265.
gnomAD v4.1: 987 of 1,614,062 alleles (0.061%); highest among the groups gnomAD compares: Admixed American, 1.4%; 8 homozygotes.

Submissions (3):

PreventionGenetics, part of Exact Sciences
Classification: Likely benign for ACSS2-related condition. Last evaluated: 2026-01-05. Review status: criteria provided, single submitter. Criteria: ACMG Guidelines, 2015. Collection method: clinical testing. Allele origin: germline.
Comment: This variant is classified as likely benign based on ACMG/AMP sequence variant interpretation guidelines (Richards et al. 2015 PMID: 25741868, with internal and published modifications).

Clinical Genomics Laboratory, Washington University in St. Louis
Classification: Uncertain significance. Last evaluated: 2023-11-20. Review status: criteria provided, single submitter. Criteria: ACMG Guidelines, 2015. Collection method: clinical testing. Allele origin: germline. Affected: yes.
Comment: The ACSS2 c.1487T>C (p.Val496Ala) variant has been described in 13 affected individuals with nonsyndromic cleft lip/palate and is reported to segregate with disease in six individuals from three families (Aylward A et al., PMID: 27229527; Dodhia S et al., PMID: 28543373). The highest population minor allele frequency in the population database genome aggregation database (v.2.1.1) is 1.63% in the American population. Computational predictors are uncertain as to the impact of this variant on ACSS2 function. This variant has been reported in the ClinVar database as a pathogenic variant in by one submitter (ClinVar Variation ID: 617833). Due to limited information, the clinical significance of this variant is uncertain.

University of Washington Center for Mendelian Genomics, University of Washington
Classification: Pathogenic for Nonsyndromic cleft lip palate. Last evaluated: 2016-03-27. Review status: no assertion criteria provided. Collection method: research. Allele origin: unknown. Affected: yes. Observed: 6 heterozygotes. Not counted in ClinVar's aggregate classification.

Literature cited by the submitters: PubMed 27229527 (cited by University of Washington Center for Mendelian Genomics, University of Washington).

NM_018677.4(ACSS2):c.1487T>C (p.Val496Ala)

Genes: ACSS2 (acyl-CoA synthetase short chain family member 2; plus strand), LOC126863018 (CDK7 strongly-dependent group 2 enhancer GRCh37_chr20:33508643-33509842; plus strand). Cytogenetic location: 20q11.22.
Variant type: single nucleotide variant.
Coding change: c.1487T>C on transcript NM_018677.4 (MANE Select); coding-DNA position 1487, T replaced by C.
Protein change: p.Val496Ala; replaces valine 496 with alanine.
Molecular consequence: missense variant.
Genome position (GRCh38, 1-based): chr20:34,921,805, T>C. VCF-style: chr20-34921805-T-C. GRCh37 (hg19) VCF-style: chr20-33509608-T-C.
Other names: c.1526T>C (NM_001076552.2); c.1526T>C, p.Val509Ala (NM_001076552.3); c.1202T>C, p.Val401Ala (NM_001242393.2); short protein forms V496A, V401A, V509A.
Identifiers: ClinVar variation 617833 (VCV000617833.3), dbSNP rs59088485, ClinGen allele CA9825604.